The following is an entry in ClinVar:

ClinVar aggregate classification (germline): Likely pathogenic. Review status: criteria provided, multiple submitters, no conflicts (2 of 4 stars). 3 submissions from 3 submitters: Likely pathogenic (3). Last evaluated 2025-11-05.

Conditions:
GRACILE syndrome (FLNMS). Also called: FELLMAN SYNDROME; FINNISH LETHAL NEONATAL METABOLIC SYNDROME. Identifiers: Orphanet 53693, MedGen C1864002, MONDO:0011308, OMIM 603358.
Pili torti-deafness syndrome (BJS). Also called: PILI TORTI AND NERVE DEAFNESS; Bjornstad syndrome. Identifiers: Orphanet 123, MedGen C0266006, MONDO:0009872, OMIM 262000.
Mitochondrial complex III deficiency nuclear type 1. Identifiers: Orphanet 254902, MedGen C3541471, MONDO:0007415, OMIM 124000.

gnomAD v4.1: 25 of 1,608,896 alleles (0.0016%); highest among the groups gnomAD compares: Non-Finnish European, 0.002%; no homozygotes.

Submissions (3):

Natera, Inc.
Classification: Likely pathogenic for GRACILE syndrome. Last evaluated: 2025-11-05. Review status: criteria provided, single submitter. Criteria: Natera Variant Classification Schema (03/2026). Collection method: clinical testing. Allele origin: germline.
Comment: The c.464G>A variant in BCS1L is a missense variant predicted to cause substitution of arginine to glutamine at amino acid 155. This variant is rare in the general population with a frequency below the threshold expected for the associated phenotype(s). This variant has been observed in one or more individuals affected with the associated recessive disease, as either homozygous or compound heterozygous with a second variant (PMID: 32637629, 34662929). Computational prediction algorithms indicate this variant is likely to affect gene or protein function. Given the available evidence, this variant is classified as Likely Pathogenic.

Baylor Genetics
Classification: Likely pathogenic for Pili torti-deafness syndrome. Last evaluated: 2024-03-03. Review status: criteria provided, single submitter. Criteria: ACMG Guidelines, 2015. Collection method: clinical testing. Allele origin: unknown.

Fulgent Genetics
Classification: Likely pathogenic for Mitochondrial complex III deficiency nuclear type 1; Pili torti-deafness syndrome; GRACILE syndrome. Last evaluated: 2024-01-19. Review status: criteria provided, single submitter. Criteria: ACMG Guidelines, 2015. Collection method: clinical testing. Allele origin: germline.

Literature cited by the submitters: PubMed 32637629 (cited by Natera, Inc.); PubMed 34662929 (cited by Natera, Inc.).

NM_001079866.2(BCS1L):c.464G>A (p.Arg155Gln)

Gene: BCS1L (BCS1 ubiquinol-cytochrome c reductase complex chaperone; plus strand). Cytogenetic location: 2q35.
Variant type: single nucleotide variant.
Coding change: c.464G>A on transcript NM_001079866.2 (MANE Select); coding-DNA position 464, G replaced by A.
Protein change: p.Arg155Gln; replaces arginine 155 with glutamine.
Molecular consequence: missense variant. On other transcripts: 5 prime UTR variant (6), non-coding transcript variant (1).
Genome position (GRCh38, 1-based): chr2:218,661,762, G>A. VCF-style: chr2-218661762-G-A. GRCh37 (hg19) VCF-style: chr2-219526485-G-A.
Other names: c.464G>A, p.Arg155Gln (NM_001257342.2, NM_001257343.2, NM_001257344.2 and 10 more transcripts); c.104G>A, p.Arg35Gln (NM_001318836.2, NM_001371451.1); c.-38G>A (NM_001371452.1, NM_001371453.1, NM_001371454.1 and 3 more transcripts); short protein forms R155Q, R35Q.
Identifiers: ClinVar variation 3240922 (VCV003240922.3), dbSNP rs121908573.